The following is an entry in ClinVar:

ClinVar aggregate classification (germline): Uncertain significance (1 of 4 stars; one submission).

Submission:

Women's Health and Genetics/Laboratory Corporation of America, LabCorp
Classification: Uncertain significance. Last evaluated: 2026-06-22. Review status: criteria provided, single submitter. Criteria: LabCorp Variant Classification Summary - May 2015. Collection method: clinical testing. Allele origin: germline.
Comment: Variant summary: F9 c.1166C>A (p.Thr389Asn) results in a non-conservative amino acid change in the encoded protein sequence. Algorithms developed to predict the effect of missense changes on protein structure and function are either unavailable or do not agree on the potential impact of this missense change. The variant was absent in 183315 control chromosomes. The available data on variant occurrences in the general population are insufficient to allow any conclusion about variant significance. To our knowledge, no occurrence of c.1166C>A in individuals affected with F9-related conditions and no experimental evidence demonstrating its impact on protein function have been reported. No submitters have cited clinical-significance assessments for this variant to ClinVar. Based on the evidence outlined above, the variant was classified as uncertain significance.

NM_000133.4(F9):c.1166C>A (p.Thr389Asn)

Gene: F9 (coagulation factor IX; plus strand). Cytogenetic location: Xq27.1.
Variant type: single nucleotide variant.
Coding change: c.1166C>A on transcript NM_000133.4 (MANE Select); coding-DNA position 1166, C replaced by A.
Protein change: p.Thr389Asn; replaces threonine 389 with asparagine.
Molecular consequence: missense variant.
Genome position (GRCh38, 1-based): chrX:139,561,851, C>A. VCF-style: chrX-139561851-C-A. GRCh37 (hg19) VCF-style: chrX-138644010-C-A.
Other names: c.1052C>A, p.Thr351Asn (NM_001313913.2); short protein forms T351N, T389N.
Identifiers: ClinVar variation 4887768 (VCV004887768.1).